The following is an entry in ClinVar:

ClinVar aggregate classification (germline): Uncertain significance (1 of 4 stars; one submission).

Conditions:
Inborn genetic diseases. Identifiers: MedGen C0950123, MeSH D030342.
Ocular cystinosis. Also called: Non-Nephropathic Cystinosis; Non-Nephropathic (Ocular) Cystinosis. Identifiers: Orphanet 213, Orphanet 411641, MedGen C2931013, MONDO:0009064, OMIM 219750.
Juvenile nephropathic cystinosis. Also called: Intermediate Cystinosis; CYSTINOSIS, LATE-ONSET JUVENILE OR ADOLESCENT NEPHROPATHIC TYPE; Later-Onset (Juvenile) Cystinosis. Identifiers: Orphanet 213, Orphanet 411634, MedGen C0268626, MONDO:0009066, OMIM 219900.

gnomAD v4.1: 193 of 1,614,090 alleles (0.012%); highest among the groups gnomAD compares: Non-Finnish European, 0.015%; no homozygotes.

Submission:

Labcorp Genetics (formerly Invitae), Labcorp
Classification: Uncertain significance for Inborn genetic diseases; Ocular cystinosis; Juvenile nephropathic cystinosis. Last evaluated: 2022-06-15. Review status: criteria provided, single submitter. Criteria: Invitae Variant Classification Sherloc (09022015). Collection method: clinical testing. Allele origin: germline.
Comment: This sequence change replaces tryptophan, which is neutral and slightly polar, with arginine, which is basic and polar, at codon 326 of the CTNS protein (p.Trp326Arg). This variant is present in population databases (rs372665052, gnomAD 0.03%). This variant has not been reported in the literature in individuals affected with CTNS-related conditions. Advanced modeling of protein sequence and biophysical properties (such as structural, functional, and spatial information, amino acid conservation, physicochemical variation, residue mobility, and thermodynamic stability) performed at Invitae indicates that this missense variant is expected to disrupt CTNS protein function. In summary, the available evidence is currently insufficient to determine the role of this variant in disease. Therefore, it has been classified as a Variant of Uncertain Significance.

NM_004937.3(CTNS):c.976T>C (p.Trp326Arg)

Gene: CTNS (cystinosin, lysosomal cystine transporter; plus strand). Cytogenetic location: 17p13.2.
Variant type: single nucleotide variant.
Coding change: c.976T>C on transcript NM_004937.3 (MANE Select); coding-DNA position 976, T replaced by C.
Protein change: p.Trp326Arg; replaces tryptophan 326 with arginine.
Molecular consequence: missense variant.
Genome position (GRCh38, 1-based): chr17:3,660,241, T>C. VCF-style: chr17-3660241-T-C. GRCh37 (hg19) VCF-style: chr17-3563535-T-C.
Other names: c.976T>C, p.Trp326Arg (NM_001031681.3, NM_001374492.1); c.535T>C, p.Trp179Arg (NM_001374493.1, NM_001374494.1, NM_001374495.1 and 1 more transcripts); short protein forms W326R, W179R.
Identifiers: ClinVar variation 2064080 (VCV002064080.1), dbSNP rs372665052, ClinGen allele CA8292000.